The following is an entry in ClinVar:

ClinVar aggregate classification (germline): Uncertain significance (1 of 4 stars; one submission).

Submission:

GeneDx
Classification: Uncertain significance. Last evaluated: 2026-02-10. Review status: criteria provided, single submitter. Criteria: GeneDx Variant Classification Process June 2021. Collection method: clinical testing. Allele origin: germline. Affected: yes.
Comment: Not observed at significant frequency in large population cohorts (gnomAD); In silico analysis suggests that this missense variant does not alter protein structure/function; Has not been previously published as pathogenic or benign to our knowledge

NM_001282531.3(ADNP):c.70A>C (p.Ser24Arg)

Gene: ADNP (activity dependent neuroprotector homeobox; minus strand). Cytogenetic location: 20q13.13.
Variant type: single nucleotide variant.
Coding change: c.70A>C on transcript NM_001282531.3 (MANE Select); coding-DNA position 70, A replaced by C.
Protein change: p.Ser24Arg; replaces serine 24 with arginine.
Molecular consequence: missense variant.
Genome position (GRCh38, 1-based): chr20:50,903,927, T>G on the plus strand (A>C on the coding strand, the complement: ADNP is on the minus strand). VCF-style: chr20-50903927-T-G. GRCh37 (hg19) VCF-style: chr20-49520464-T-G.
Other names: c.70A>C, p.Ser24Arg (NM_001282532.2, NM_001347511.2, NM_015339.5 and 1 more transcripts); short protein forms S24R.
Identifiers: ClinVar variation 3373448 (VCV003373448.2).